The following is an entry in ClinVar:

ClinVar aggregate classification (germline): Uncertain significance. Review status: criteria provided, multiple submitters, no conflicts (2 of 4 stars). 2 submissions from 2 submitters: Uncertain significance (2). Last evaluated 2024-11-22.

Conditions:
Pancreatic adenocarcinoma. Identifiers: MedGen C0281361, MONDO:0006047, HP:0006725.

Allele frequency attached by ClinVar (database versions not stated): gnomAD exomes 0.00001 and 0.00002; ExAC 0.00002; gnomAD 0.00004 and 0.00005; TOPMed 0.00007; ESP Exome Variant Server 0.00008.
gnomAD v4.1: 23 of 1,611,752 alleles (0.0014%); highest among the groups gnomAD compares: African/African-American, 0.011%; no homozygotes.

Submissions (2):

Ambry Genetics
Classification: Uncertain significance. Last evaluated: 2024-11-22. Review status: criteria provided, single submitter. Criteria: Ambry Variant Classification Scheme 2023. Collection method: clinical testing. Allele origin: germline.
Comment: The p.P403A variant (also known as c.1207C>G), located in coding exon 7 of the PALLD gene, results from a C to G substitution at nucleotide position 1207. The proline at codon 403 is replaced by alanine, an amino acid with highly similar properties. This amino acid position is conserved. In addition, this alteration is predicted to be tolerated by in silico analysis. Based on the available evidence, the clinical significance of this variant remains unclear.

Labcorp Genetics (formerly Invitae), Labcorp
Classification: Uncertain significance for Pancreatic adenocarcinoma. Last evaluated: 2024-10-21. Review status: criteria provided, single submitter. Criteria: Invitae Variant Classification Sherloc (09022015). Collection method: clinical testing. Allele origin: germline.
Comment: This sequence change replaces proline, which is neutral and non-polar, with alanine, which is neutral and non-polar, at codon 403 of the PALLD protein (p.Pro403Ala). This variant is present in population databases (rs141155457, gnomAD 0.02%). This variant has not been reported in the literature in individuals affected with PALLD-related conditions. ClinVar contains an entry for this variant (Variation ID: 1373309). An algorithm developed to predict the effect of missense changes on protein structure and function (PolyPhen-2) suggests that this variant is likely to be disruptive. In summary, the available evidence is currently insufficient to determine the role of this variant in disease. Therefore, it has been classified as a Variant of Uncertain Significance.

NM_001166108.2(PALLD):c.2719C>G (p.Pro907Ala)

Genes: CBR4 (carbonyl reductase 4; minus strand), PALLD (palladin, cytoskeletal associated protein; plus strand). Cytogenetic location: 4q32.3.
Variant type: single nucleotide variant.
Coding change: c.2719C>G on transcript NM_001166108.2 (MANE Select); coding-DNA position 2719, C replaced by G.
Protein change: p.Pro907Ala; replaces proline 907 with alanine.
Molecular consequence: missense variant.
Genome position (GRCh38, 1-based): chr4:168,915,896, C>G. VCF-style: chr4-168915896-C-G. GRCh37 (hg19) VCF-style: chr4-169837047-C-G.
Other names: c.1207C>G (NM_001166110.1); c.1522C>G, p.Pro508Ala (NM_001166109.2); c.1207C>G, p.Pro403Ala (NM_001166110.2); c.547C>G, p.Pro183Ala (NM_001367567.1, NM_001367569.1); c.598C>G, p.Pro200Ala (NM_001367568.1, NM_001367570.1); c.2668C>G, p.Pro890Ala (NM_016081.4); short protein forms P200A, P183A, P890A, P403A, P508A, P907A.
Identifiers: ClinVar variation 1373309 (VCV001373309.9), dbSNP rs141155457, ClinGen allele CA3135952.